The following is an entry in ClinVar:

ClinVar aggregate classification (germline): Uncertain significance. Review status: criteria provided, multiple submitters, no conflicts (2 of 4 stars). 2 submissions from 2 submitters: Uncertain significance (2). Last evaluated 2025-10-27.

Conditions:
Epidermodysplasia verruciformis. Identifiers: Orphanet 302, MedGen C0014522, MONDO:0009176.
Inborn genetic diseases. Identifiers: MedGen C0950123, MeSH D030342.

Allele frequency attached by ClinVar (database versions not stated): gnomAD 0.00001 and 0.00004; gnomAD exomes 0.00001; TOPMed 0.00002; ExAC 0.00006; 1000 Genomes Project 0.00060; 1000 Genomes Project 30x 0.00062.
gnomAD v4.1: 22 of 1,581,312 alleles (0.0014%); highest among the groups gnomAD compares: Admixed American, 0.037%; no homozygotes.

Submissions (2):

Labcorp Genetics (formerly Invitae), Labcorp
Classification: Uncertain significance for Epidermodysplasia verruciformis. Last evaluated: 2025-10-27. Review status: criteria provided, single submitter. Criteria: Invitae Variant Classification Sherloc (09022015). Collection method: clinical testing. Allele origin: germline.
Comment: This sequence change replaces alanine, which is neutral and non-polar, with valine, which is neutral and non-polar, at codon 212 of the TMC6 protein (p.Ala212Val). The frequency data for this variant in the population databases is considered unreliable, as metrics indicate poor data quality at this position in the gnomAD database. This variant has not been reported in the literature in individuals affected with TMC6-related conditions. ClinVar contains an entry for this variant (Variation ID: 859246). An algorithm developed to predict the effect of missense changes on protein structure and function (PolyPhen-2) suggests that this variant is likely to be disruptive. In summary, the available evidence is currently insufficient to determine the role of this variant in disease. Therefore, it has been classified as a Variant of Uncertain Significance.

Ambry Genetics
Classification: Uncertain significance for Inborn genetic diseases. Last evaluated: 2025-08-03. Review status: criteria provided, single submitter. Criteria: Ambry Variant Classification Scheme 2023. Collection method: clinical testing. Allele origin: germline.

NM_001127198.5(TMC6):c.635C>T (p.Ala212Val)

Gene: TMC6 (transmembrane channel like 6; minus strand). Cytogenetic location: 17q25.3.
Variant type: single nucleotide variant.
Coding change: c.635C>T on transcript NM_001127198.5 (MANE Select); coding-DNA position 635, C replaced by T.
Protein change: p.Ala212Val; replaces alanine 212 with valine.
Molecular consequence: missense variant.
Genome position (GRCh38, 1-based): chr17:78,124,780, G>A on the plus strand (C>T on the coding strand, the complement: TMC6 is on the minus strand). VCF-style: chr17-78124780-G-A. GRCh37 (hg19) VCF-style: chr17-76120861-G-A.
Other names: c.635C>T, p.Ala212Val (NM_001321185.1, NM_001374593.1, NM_001374594.1 and 4 more transcripts); c.635C>T (NM_007267.6); short protein forms A212V.
Identifiers: ClinVar variation 859246 (VCV000859246.7), dbSNP rs548352171, ClinGen allele CA8796041.